The following is an entry in ClinVar:

ClinVar aggregate classification (germline): Pathogenic. Review status: reviewed by expert panel (3 of 4 stars). 9 submissions from 9 submitters: Pathogenic (1). 8 of the submissions do not count toward it. Last evaluated 2021-03-26.

Conditions:
Pitt-Hopkins syndrome (PTHS). Also called: MENTAL RETARDATION, SYNDROMAL, WITH INTERMITTENT HYPERVENTILATION; ENCEPHALOPATHY, SEVERE EPILEPTIC, WITH AUTONOMIC DYSFUNCTION. Identifiers: Orphanet 2896, MedGen C1970431, MONDO:0012589, OMIM 610954.

Allele frequency attached by ClinVar (database versions not stated): gnomAD exomes below 0.00001.
gnomAD v4.1: 1 of 1,614,170 alleles (0.000062%); highest among the groups gnomAD compares: Admixed American, 0.0017%; no homozygotes.

Submissions (10):

ClinGen Rett and Angelman-like Disorders Variant Curation Expert Panel
Classification: Pathogenic for Pitt-Hopkins syndrome. Last evaluated: 2021-03-26. Review status: reviewed by expert panel. Criteria: ClinGen RettAS ACMG Specifications V1. Collection method: curation. Allele origin: germline. Inheritance: Autosomal dominant inheritance.
Comment: The p.Arg580Gln variant in TCF4 has been reported in at least 2 de novo occurrences (biological parentage unconfirmed) in individuals with Pitt-Hopkins syndrome (PMID 22045651, 17436254) (PM6_strong, PS4_supporting, PP4). Transcriptional reporter assay has shown that this variant impacts protein function (PMID 19235238) (PS3_supporting). The p.Arg580Gln variant occurs in the well-characterized basic Helix-Loop-Helix domain of TCF4 (PM1). Computational prediction analysis tools suggests a deleterious impact; however, this information does not predict clinical significance on its own (PP3). In summary, the p.Arg580Gln variant in TCF4 is classified as Pathogenic for autosomal dominant Pitt-Hopkins syndrome based on the ACMG/AMP criteria (PM6_strong, PM1, PS4_supporting, PP1, PP3, PP4).

Victorian Clinical Genetics Services, Murdoch Childrens Research Institute
Classification: Pathogenic for Pitt-Hopkins syndrome. Last evaluated: 2023-07-17. Review status: criteria provided, single submitter. Criteria: ACMG Guidelines, 2015. Collection method: clinical testing. Allele origin: germline. Inheritance: Autosomal dominant inheritance. Affected: yes. Not counted in ClinVar's aggregate classification.
Comment: Based on the classification scheme VCGS_Germline_v1.3.4, this variant is classified as Pathogenic. Following criteria are met: 0103 - Dominant negative and loss of function are known mechanisms of disease in this gene and are associated with Pitt-Hopkins syndrome (MIM#610954; PMID: 34134113). Fuchs endothelial corneal dystrophy 3 (MIM#613267) is caused by a CTG repeat expansion (OMIM), with the mechanism unclear. (I) 0107 - This gene is associated with autosomal dominant disease. (I) 0200 - Variant is predicted to result in a missense amino acid change from arginine to glutamine. (I) 0251 - This variant is heterozygous. (I) 0301 - Variant is absent from gnomAD (both v2 and v3). (SP) 0501 - Missense variant consistently predicted to be damaging by multiple in silico tools or highly conserved with a major amino acid change. (SP) 0602 - Variant is located in a hotspot region or cluster of pathogenic variants (DECIPHER). (SP) 0703 - Another missense variant comparable to the one identified in this case has moderate previous evidence for pathogenicity. The p.(Arg580Trp) variant has been classified as pathogenic by an expert panel (ClinGen) as well as being classified as likely pathogenic or pathogenic by clinical laboratories in ClinVar. (SP) 0801 - This variant has strong previous evidence of pathogenicity in unrelated individuals. This variant has been classified as pathogenic by an expert panel (ClinGen) as well as being classified as likely pathogenic or pathogenic by clinical laboratories in ClinVar. (SP) Legend: (SP) - Supporting pathogenic, (I) - Information, (SB) - Supporting benign

CeGaT Center for Human Genetics Tuebingen
Classification: Pathogenic. Last evaluated: 2023-03-01. Review status: criteria provided, single submitter. Criteria: CeGaT Center For Human Genetics Tuebingen Variant Classification Criteria Version 2. Collection method: clinical testing. Allele origin: germline. Affected: yes. Observed: 1 variant allele. Not counted in ClinVar's aggregate classification.
Comment: TCF4: PS4, PM2, PM5, PP2, PP3, PP4, PS3:Supporting

Labcorp Genetics (formerly Invitae), Labcorp
Classification: Pathogenic for Pitt-Hopkins syndrome. Last evaluated: 2023-01-20. Review status: criteria provided, single submitter. Criteria: Invitae Variant Classification Sherloc (09022015). Collection method: clinical testing. Allele origin: germline. Not counted in ClinVar's aggregate classification.
Comment: For these reasons, this variant has been classified as Pathogenic. This variant disrupts the p.Arg580 amino acid residue in TCF4. Other variant(s) that disrupt this residue have been determined to be pathogenic (PMID: 17436254, 17436255). This suggests that this residue is clinically significant, and that variants that disrupt this residue are likely to be disease-causing. Experimental studies have shown that this missense change affects TCF4 function (PMID: 19235238). Advanced modeling of protein sequence and biophysical properties (such as structural, functional, and spatial information, amino acid conservation, physicochemical variation, residue mobility, and thermodynamic stability) performed at Invitae indicates that this missense variant is expected to disrupt TCF4 protein function. ClinVar contains an entry for this variant (Variation ID: 7371). This variant is also known as R576Q. This missense change has been observed in individual(s) with Pitt-Hopkins syndrome (PMID: 17436254, 29318938). In at least one individual the variant was observed to be de novo. This variant is present in population databases (rs121909121, gnomAD 0.003%). This sequence change replaces arginine, which is basic and polar, with glutamine, which is neutral and polar, at codon 580 of the TCF4 protein (p.Arg580Gln).

GeneDx
Classification: Pathogenic. Last evaluated: 2022-08-17. Review status: criteria provided, single submitter. Criteria: GeneDx Variant Classification Process June 2021. Collection method: clinical testing. Allele origin: germline. Affected: yes. Not counted in ClinVar's aggregate classification.
Comment: Published functional studies demonstrate a damaging effect using the luciferase reporter assay, supporting a loss of function effect (PMID: 19235238); In silico analysis supports that this missense variant has a deleterious effect on protein structure/function; Reported previously as R576Q due to alternate nomenclature; This variant is associated with the following publications: (PMID: 19235238, 22045651, 29655203, 29318938, 32860008, 22670143, 34748727, Bone2022[Case Report], 34363065, 33057194, 36368308, 35982159, 17436254)

Institute of Human Genetics Munich, TUM University Hospital
Classification: Pathogenic for Pitt-Hopkins syndrome. Last evaluated: 2017-10-27. Review status: criteria provided, single submitter. Criteria: Classification criteria August 2017. Collection method: clinical testing. Allele origin: germline. Inheritance: Autosomal dominant inheritance. Affected: yes. Observed: 1 heterozygote. Not counted in ClinVar's aggregate classification.

Genetic Services Laboratory, University of Chicago
Classification: Likely pathogenic for Pitt-Hopkins syndrome. Last evaluated: 2017-03-15. Review status: criteria provided, single submitter. Criteria: ACMG Guidelines, 2015. Collection method: clinical testing. Allele origin: germline. Affected: yes. Not counted in ClinVar's aggregate classification.

CENTOGENE GmbH and LLC - Guiding Precision Medicine
Classification: Pathogenic for Pitt-Hopkins syndrome. Review status: criteria provided, single submitter. Criteria: ACMG Guidelines, 2015. Collection method: clinical testing. Allele origin: germline. Affected: yes. Not counted in ClinVar's aggregate classification.

OMIM
Classification: Pathogenic for PITT-HOPKINS SYNDROME. Last evaluated: 2007-05-01. Review status: no assertion criteria provided. Collection method: literature only. Allele origin: germline. Not counted in ClinVar's aggregate classification.

Dr. Peter K. Rogan Lab, Western University
No classification provided (evidence only). Condition: Malignant tumor of esophagus. Review status: no classification provided. Collection method: in vitro. Allele origin: not applicable. Functional consequence: retained intron. Not counted in ClinVar's aggregate classification.

Literature cited by the submitters: PubMed 22045651 (cited by ClinGen Rett and Angelman-like Disorders Variant Curation Expert Panel); PubMed 17436254 (cited by 3 submitters); PubMed 19235238 (cited by ClinGen Rett and Angelman-like Disorders Variant Curation Expert Panel and Labcorp Genetics (formerly Invitae), Labcorp); PubMed 34134113 (cited by Victorian Clinical Genetics Services, Murdoch Childrens Research Institute); PubMed 17436255 (cited by Labcorp Genetics (formerly Invitae), Labcorp); PubMed 29318938 (cited by Labcorp Genetics (formerly Invitae), Labcorp); PubMed 32860008 (cited by CENTOGENE GmbH and LLC - Guiding Precision Medicine).

NM_001083962.2(TCF4):c.1739G>A (p.Arg580Gln)

Gene: TCF4 (transcription factor 4; minus strand). Cytogenetic location: 18q21.2.
Variant type: single nucleotide variant.
Coding change: c.1739G>A on transcript NM_001083962.2 (MANE Select); coding-DNA position 1739, G replaced by A.
Protein change: p.Arg580Gln; replaces arginine 580 with glutamine.
Molecular consequence: missense variant.
Genome position (GRCh38, 1-based): chr18:55,228,987, C>T on the plus strand (G>A on the coding strand, the complement: TCF4 is on the minus strand). VCF-style: chr18-55228987-C-T. GRCh37 (hg19) VCF-style: chr18-52896218-C-T.
Other names: p.R580Q:CGG>CAG; c.1667G>A, p.Arg556Gln (NM_001348218.2, NM_001243227.2, NM_001348217.1 and 1 more transcripts); c.1655G>A, p.Arg552Gln (NM_001348219.2, NM_001306207.1, NM_001369582.1 and 1 more transcripts); c.1652G>A, p.Arg551Gln (NM_001348220.1, NM_001369584.1, NM_001369585.1); c.1739G>A, p.Arg580Gln (NM_001369567.1, NM_001369568.1); c.1736G>A, p.Arg579Gln (NM_001369569.1, NM_001369570.1, NM_001330604.3); c.1727G>A, p.Arg576Gln (NM_001369571.1, NM_001369572.1, NM_003199.3); c.1724G>A, p.Arg575Gln (NM_001369573.1, NM_001369574.1); and 15 more; short protein forms R576Q, R580Q, R446Q, R552Q, R364Q, R415Q, R450Q, R538Q.
Identifiers: ClinVar variation 7371 (VCV000007371.45), dbSNP rs121909121, ClinGen allele CA254162.